The following is an entry in ClinVar:

ClinVar aggregate classification (germline): Pathogenic/Likely pathogenic. Review status: criteria provided, multiple submitters, no conflicts (2 of 4 stars). 5 submissions from 5 submitters: Pathogenic (4); Likely pathogenic (1). Last evaluated 2026-03-04.

Conditions:
Retinitis pigmentosa 39 (RP39). Identifiers: Orphanet 791, MedGen C3151138, MONDO:0013436, OMIM 613809.
Retinal dystrophy. Also called: Inherited retinal dystrophy. Identifiers: Orphanet 71862, MedGen C0854723, MeSH D058499, MONDO:0019118, HP:0000556.

Submissions (5):

Dasa
Classification: Pathogenic. Last evaluated: 2026-03-04. Review status: criteria provided, single submitter. Criteria: DASA Assertion Criteria. Collection method: clinical testing. Allele origin: germline.
Comment: NM_206933.4(USH2A):c.13335_13343del (p.Glu4445_Met4447del) is an in-frame deletion predicted to remove amino acids from glutamic acid at protein position 4445 through methionine at protein position 4447 without shifting the reading frame. This variant has been recurrently observed in individuals with USH2A-related disorders (PMID: 39596236; PMID: 39202371; PMID: 37544434). Also, this variant is rare in population databases. Based on the currently available evidence, this variant is classified as pathogenic.

Genome-Nilou Lab
Classification: Pathogenic for Retinitis pigmentosa 39. Last evaluated: 2023-11-04. Review status: criteria provided, single submitter. Criteria: ACMG Guidelines, 2015. Collection method: clinical testing. Allele origin: germline. Affected: no.

Institute of Human Genetics, Univ. Regensburg, Univ. Regensburg
Classification: Likely pathogenic for Retinal dystrophy. Last evaluated: 2023-01-01. Review status: criteria provided, single submitter. Criteria: ACMG Guidelines, 2015. Collection method: clinical testing. Allele origin: germline. Affected: yes.

Labcorp Genetics (formerly Invitae), Labcorp
Classification: Pathogenic. Last evaluated: 2021-11-14. Review status: criteria provided, single submitter. Criteria: Invitae Variant Classification Sherloc (09022015). Collection method: clinical testing. Allele origin: germline.
Comment: This variant, c.13335_13347delinsCTTG, is a complex variant that results in the deletion of five and insertion of two amino acids in the USH2A protein (p.Glu4445_Ser4449delinsAspLeu) but otherwise preserves the integrity of the reading frame. Information on the frequency of this variant in the gnomAD database is not available, as this variant may be reported differently in the database. This variant has been observed in individuals with retinitis pigmentosa (PMID: 28041643, 30718709; Invitae). ClinVar contains an entry for this variant (Variation ID: 806350). This variant disrupts the p.Met4447 amino acid residue in USH2A. Other variant(s) that disrupt this residue have been determined to be pathogenic (PMID: 29625443, 31872526, 31960602). This suggests that this residue is clinically significant, and that variants that disrupt this residue are likely to be disease-causing. For these reasons, this variant has been classified as Pathogenic.

CeGaT Center for Human Genetics Tuebingen
Classification: Pathogenic. Last evaluated: 2016-10-01. Review status: criteria provided, single submitter. Criteria: CeGaT Center For Human Genetics Tuebingen Variant Classification Criteria Version 2. Collection method: clinical testing. Allele origin: germline. Affected: yes. Observed: 2 variant alleles.

Literature cited by the submitters: PubMed 39596236 (cited by Dasa); PubMed 39202371 (cited by Dasa); PubMed 37544434 (cited by Dasa); PubMed 34315337 (cited by Institute of Human Genetics, Univ. Regensburg, Univ. Regensburg); PubMed 3678555 (cited by Institute of Human Genetics, Univ. Regensburg, Univ. Regensburg); PubMed 28041643 (cited by Labcorp Genetics (formerly Invitae), Labcorp); PubMed 30718709 (cited by Labcorp Genetics (formerly Invitae), Labcorp); PubMed 29625443 (cited by Labcorp Genetics (formerly Invitae), Labcorp); PubMed 31872526 (cited by Labcorp Genetics (formerly Invitae), Labcorp); PubMed 31960602 (cited by Labcorp Genetics (formerly Invitae), Labcorp).

NM_206933.4(USH2A):c.13335_13343del (p.Glu4445_Met4447del)

Gene: USH2A (usherin; minus strand). Cytogenetic location: 1q41.
Variant type: Deletion.
Coding change: c.13335_13343del on transcript NM_206933.4 (MANE Select); coding-DNA positions 13335 to 13343, 9 bases deleted (GAACATGGA; older notation c.13335_13343delGAACATGGA).
Protein change: p.Glu4445_Met4447del.
Molecular consequence: inframe deletion.
Genome position (GRCh38, 1-based): chr1:215,674,568-215,674,576, TCCATGTTC deleted on the plus strand (GAACATGGA on the coding strand, the reverse complement: USH2A is on the minus strand); deleting any 9 consecutive bases within chr1:215,674,568-215,674,578 gives the same sequence; the c. name uses the placement nearest the transcript's 3' end. VCF-style (leftmost placement, unchanged base first): chr1-215674567-GTCCATGTTC-G. GRCh37 (hg19) VCF-style: chr1-215847909-GTCCATGTTC-G.
Identifiers: ClinVar variation 806350 (VCV000806350.46), dbSNP rs111033408, ClinGen allele CA37412527.